The following is an entry in ClinVar:

NM_017986.4(SLC52A1):c.874G>A (p.Val292Met)

Gene: SLC52A1 (solute carrier family 52 member 1; minus strand). Cytogenetic location: 17p13.2.
Variant type: single nucleotide variant.
Coding change: c.874G>A on transcript NM_017986.4 (MANE Select); coding-DNA position 874, G replaced by A.
Protein change: p.Val292Met; replaces valine 292 with methionine.
Molecular consequence: missense variant.
Genome position (GRCh38, 1-based): chr17:5,033,615, C>T on the plus strand (G>A on the coding strand, the complement: SLC52A1 is on the minus strand). VCF-style: chr17-5033615-C-T. GRCh37 (hg19) VCF-style: chr17-4936910-C-T.
Other names: c.874G>A, p.Val292Met (NM_001104577.2); c.874G>A (NM_001104577.1); short protein forms V292M.
Identifiers: ClinVar variation 644808 (VCV000644808.23), dbSNP rs767702906, ClinGen allele CA8319692.

ClinVar aggregate classification (germline): Conflicting classifications of pathogenicity. Review status: criteria provided, conflicting classifications (1 of 4 stars). 3 submissions from 3 submitters: Uncertain significance (2); Likely benign (1). Last evaluated 2025-08-11.

Conditions:
Vitamin B2 deficiency. Identifiers: MedGen C0035528.

Allele frequency attached by ClinVar (database versions not stated): ExAC 0.00005; TOPMed 0.00005; gnomAD 0.00006; gnomAD exomes 0.00006.

Submissions (3):

Ambry Genetics
Classification: Uncertain significance. Last evaluated: 2025-08-11. Review status: criteria provided, single submitter. Criteria: Ambry Variant Classification Scheme 2023. Collection method: clinical testing. Allele origin: germline.

CeGaT Center for Human Genetics Tuebingen
Classification: Likely benign. Last evaluated: 2025-05-01. Review status: criteria provided, single submitter. Criteria: CeGaT Center For Human Genetics Tuebingen Variant Classification Criteria Version 2. Collection method: clinical testing. Allele origin: germline. Affected: yes. Observed: 1 variant allele.
Comment: SLC52A1: BP4

Labcorp Genetics (formerly Invitae), Labcorp
Classification: Uncertain significance for Vitamin B2 deficiency. Last evaluated: 2024-07-01. Review status: criteria provided, single submitter. Criteria: Invitae Variant Classification Sherloc (09022015). Collection method: clinical testing. Allele origin: germline.
Comment: This sequence change replaces valine, which is neutral and non-polar, with methionine, which is neutral and non-polar, at codon 292 of the SLC52A1 protein (p.Val292Met). This variant is present in population databases (rs767702906, gnomAD 0.02%). This variant has not been reported in the literature in individuals affected with SLC52A1-related conditions. ClinVar contains an entry for this variant (Variation ID: 644808). Advanced modeling of protein sequence and biophysical properties (such as structural, functional, and spatial information, amino acid conservation, physicochemical variation, residue mobility, and thermodynamic stability) performed at Invitae indicates that this missense variant is not expected to disrupt SLC52A1 protein function with a negative predictive value of 80%. In summary, the available evidence is currently insufficient to determine the role of this variant in disease. Therefore, it has been classified as a Variant of Uncertain Significance.